The following is an entry in ClinVar:

NM_138289.4(ACTRT1):c.53C>T (p.Ser18Leu)

Gene: ACTRT1 (actin related protein T1; minus strand). Cytogenetic location: Xq25.
Variant type: single nucleotide variant.
Coding change: c.53C>T on transcript NM_138289.4 (MANE Select); coding-DNA position 53, C replaced by T.
Protein change: p.Ser18Leu; replaces serine 18 with leucine.
Molecular consequence: missense variant.
Genome position (GRCh38, 1-based): chrX:128,052,154, G>A on the plus strand (C>T on the coding strand, the complement: ACTRT1 is on the minus strand). VCF-style: chrX-128052154-G-A. GRCh37 (hg19) VCF-style: chrX-127186133-G-A.
Other names: short protein forms S18L.
Identifiers: ClinVar variation 2343486 (VCV002343486.5), dbSNP rs199614384, ClinGen allele CA10511346.

ClinVar aggregate classification (germline): Uncertain significance. Review status: criteria provided, single submitter (1 of 4 stars). 2 submissions from 2 submitters: Uncertain significance (1). 1 of the submissions does not count toward it. Last evaluated 2024-09-02.

Conditions:
ACTRT1-related disorder. Also called: ACTRT1-related condition.

Allele frequency attached by ClinVar (database versions not stated): ExAC 0.00007; gnomAD 0.00007.

Submissions (2):

Ambry Genetics
Classification: Uncertain significance. Last evaluated: 2024-09-02. Review status: criteria provided, single submitter. Criteria: Ambry Variant Classification Scheme 2023. Collection method: clinical testing. Allele origin: germline.

PreventionGenetics, part of Exact Sciences
Classification: Likely benign for ACTRT1-related condition. Last evaluated: 2021-09-08. Review status: no assertion criteria provided. Collection method: clinical testing. Allele origin: germline. Not counted in ClinVar's aggregate classification.
Comment: This variant is classified as likely benign based on ACMG/AMP sequence variant interpretation guidelines (Richards et al. 2015 PMID: 25741868, with internal and published modifications).